The following is an entry in ClinVar:

NM_001004334.4(GPR179):c.4759C>A (p.Pro1587Thr)

Gene: GPR179 (G protein-coupled receptor 179; minus strand). Cytogenetic location: 17q12.
Variant type: single nucleotide variant.
Coding change: c.4759C>A on transcript NM_001004334.4 (MANE Select); coding-DNA position 4759, C replaced by A.
Protein change: p.Pro1587Thr; replaces proline 1587 with threonine.
Molecular consequence: missense variant.
Genome position (GRCh38, 1-based): chr17:38,328,810, G>T on the plus strand (C>A on the coding strand, the complement: GPR179 is on the minus strand). VCF-style: chr17-38328810-G-T. GRCh37 (hg19) VCF-style: chr17-36484693-G-T.
Other names: short protein forms P1587T.
Identifiers: ClinVar variation 1996263 (VCV001996263.4), dbSNP rs753251543, ClinGen allele CA398876172.
Genomic context (GRCh38, chr17:38,328,810, plus strand): 5'-ATGTCCATTCCTCTCTTGTTCTTTCATTTACCTCCCAGGGACAGATTTCTGTTTTGGCAG[G>T]TGTTGCTTCCTGTGCCTCCGGCCTGAGATCTTCCTGTGGACACACCTGCGTTGCTCTGCT-3'
Protein context (NP_001004334.3, residues 1577-1597): DLRPEAQEAT[Pro1587Thr]AKTEICPWEV

ClinVar aggregate classification (germline): Uncertain significance (1 of 4 stars; one submission).

gnomAD v4.1: 2 of 1,609,394 alleles (0.00012%); highest among the groups gnomAD compares: African/African-American, 0.0027%; no homozygotes.

Submission:

Labcorp Genetics (formerly Invitae), Labcorp
Classification: Uncertain significance. Last evaluated: 2022-05-19. Review status: criteria provided, single submitter. Criteria: Invitae Variant Classification Sherloc (09022015). Collection method: clinical testing. Allele origin: germline.
Comment: This variant is present in population databases (no rsID available, gnomAD 0.008%). This variant has not been reported in the literature in individuals affected with GPR179-related conditions. This sequence change replaces proline, which is neutral and non-polar, with threonine, which is neutral and polar, at codon 1587 of the GPR179 protein (p.Pro1587Thr). In summary, the available evidence is currently insufficient to determine the role of this variant in disease. Therefore, it has been classified as a Variant of Uncertain Significance. Algorithms developed to predict the effect of missense changes on protein structure and function are either unavailable or do not agree on the potential impact of this missense change (SIFT: "Tolerated"; PolyPhen-2: "Possibly Damaging"; Align-GVGD: "Class C0").